The following is an entry in ClinVar:

NM_001040716.2(PC):c.366dup (p.Glu123Ter)

Gene: PC (pyruvate carboxylase; minus strand). Cytogenetic location: 11q13.2.
Variant type: Duplication.
Coding change: c.366dup on transcript NM_001040716.2 (MANE Select); coding-DNA position 366, one base duplicated (T; older notation c.366dupT).
Protein change: p.Glu123Ter; replaces glutamic acid 123 with a stop codon.
Molecular consequence: nonsense.
Genome position (GRCh38, 1-based): chr11:66,871,436, A duplicated on the plus strand (T on the coding strand, the reverse complement: PC is on the minus strand). VCF-style (leftmost placement, unchanged base first): chr11-66871435-C-CA. GRCh37 (hg19) VCF-style: chr11-66638906-C-CA.
Other names: c.366dup, p.Glu123Ter (NM_000920.4, NM_022172.3); short protein forms E123*.
Identifiers: ClinVar variation 1454797 (VCV001454797.6), dbSNP rs2135940752, ClinGen allele CA2573147596.

ClinVar aggregate classification (germline): Pathogenic (1 of 4 stars; one submission).

Conditions:
Pyruvate carboxylase deficiency. Also called: ATAXIA WITH LACTIC ACIDOSIS II; LEIGH NECROTIZING ENCEPHALOPATHY DUE TO PYRUVATE CARBOXYLASE DEFICIENCY; PC DEFICIENCY; LEIGH SYNDROME DUE TO PYRUVATE CARBOXYLASE DEFICIENCY; Pyruvate Carboxylase Deficiency Disease. Identifiers: Orphanet 3008, MedGen C0034341, MONDO:0009949, OMIM 266150.

Submission:

Labcorp Genetics (formerly Invitae), Labcorp
Classification: Pathogenic for Pyruvate carboxylase deficiency. Last evaluated: 2022-04-08. Review status: criteria provided, single submitter. Criteria: Invitae Variant Classification Sherloc (09022015). Collection method: clinical testing. Allele origin: germline.
Comment: For these reasons, this variant has been classified as Pathogenic. This variant has not been reported in the literature in individuals affected with PC-related conditions. This variant is not present in population databases (gnomAD no frequency). This sequence change creates a premature translational stop signal (p.Glu123*) in the PC gene. It is expected to result in an absent or disrupted protein product. Loss-of-function variants in PC are known to be pathogenic (PMID: 12112657, 19306334).

Literature cited by the submitters: PubMed 12112657; PubMed 19306334.